The following continues an entry in ClinVar:

NM_001037.5(SCN1B):c.591-14C>A

Gene: SCN1B. ClinVar aggregate classification (germline): Benign/Likely benign. Benign (5); Likely benign (4).

Submissions 28 to 47 of 47:

Dr. Peter K. Rogan Lab, Western University
No classification provided (evidence only). Condition: Uterine corpus endometrial carcinoma. Review status: no classification provided. Collection method: in vitro. Allele origin: not applicable. Functional consequence: retained intron. Not counted in ClinVar's aggregate classification.

Dr. Peter K. Rogan Lab, Western University
No classification provided (evidence only). Condition: Cervical cancer. Review status: no classification provided. Collection method: in vitro. Allele origin: not applicable. Functional consequence: retained intron. Not counted in ClinVar's aggregate classification.

Dr. Peter K. Rogan Lab, Western University
No classification provided (evidence only). Condition: Cervical cancer. Review status: no classification provided. Collection method: in vitro. Allele origin: not applicable. Functional consequence: retained intron. Not counted in ClinVar's aggregate classification.

Dr. Peter K. Rogan Lab, Western University
No classification provided (evidence only). Condition: Sarcoma. Review status: no classification provided. Collection method: in vitro. Allele origin: not applicable. Functional consequence: retained intron. Not counted in ClinVar's aggregate classification.

Dr. Peter K. Rogan Lab, Western University
No classification provided (evidence only). Condition: Sarcoma. Review status: no classification provided. Collection method: in vitro. Allele origin: not applicable. Functional consequence: retained intron. Not counted in ClinVar's aggregate classification.

Dr. Peter K. Rogan Lab, Western University
No classification provided (evidence only). Condition: Sarcoma. Review status: no classification provided. Collection method: in vitro. Allele origin: not applicable. Functional consequence: retained intron. Not counted in ClinVar's aggregate classification.

Dr. Peter K. Rogan Lab, Western University
No classification provided (evidence only). Condition: Sarcoma. Review status: no classification provided. Collection method: in vitro. Allele origin: not applicable. Functional consequence: retained intron. Not counted in ClinVar's aggregate classification.

Dr. Peter K. Rogan Lab, Western University
No classification provided (evidence only). Condition: Sarcoma. Review status: no classification provided. Collection method: in vitro. Allele origin: not applicable. Functional consequence: retained intron. Not counted in ClinVar's aggregate classification.

Dr. Peter K. Rogan Lab, Western University
No classification provided (evidence only). Condition: Thymoma. Review status: no classification provided. Collection method: in vitro. Allele origin: not applicable. Functional consequence: retained intron. Not counted in ClinVar's aggregate classification.

Dr. Peter K. Rogan Lab, Western University
No classification provided (evidence only). Condition: Thymoma. Review status: no classification provided. Collection method: in vitro. Allele origin: not applicable. Functional consequence: retained intron. Not counted in ClinVar's aggregate classification.

Dr. Peter K. Rogan Lab, Western University
No classification provided (evidence only). Condition: Thymoma. Review status: no classification provided. Collection method: in vitro. Allele origin: not applicable. Functional consequence: retained intron. Not counted in ClinVar's aggregate classification.

Dr. Peter K. Rogan Lab, Western University
No classification provided (evidence only). Condition: Thymoma. Review status: no classification provided. Collection method: in vitro. Allele origin: not applicable. Functional consequence: retained intron. Not counted in ClinVar's aggregate classification.

Dr. Peter K. Rogan Lab, Western University
No classification provided (evidence only). Condition: Cholangiocarcinoma. Review status: no classification provided. Collection method: in vitro. Allele origin: not applicable. Functional consequence: retained intron. Not counted in ClinVar's aggregate classification.

Dr. Peter K. Rogan Lab, Western University
No classification provided (evidence only). Condition: Cholangiocarcinoma. Review status: no classification provided. Collection method: in vitro. Allele origin: not applicable. Functional consequence: retained intron. Not counted in ClinVar's aggregate classification.

Dr. Peter K. Rogan Lab, Western University
No classification provided (evidence only). Condition: Cholangiocarcinoma. Review status: no classification provided. Collection method: in vitro. Allele origin: not applicable. Functional consequence: retained intron. Not counted in ClinVar's aggregate classification.

Dr. Peter K. Rogan Lab, Western University
No classification provided (evidence only). Condition: Uveal melanoma. Review status: no classification provided. Collection method: in vitro. Allele origin: not applicable. Functional consequence: retained intron. Not counted in ClinVar's aggregate classification.

Dr. Peter K. Rogan Lab, Western University
No classification provided (evidence only). Condition: Malignant tumor of esophagus. Review status: no classification provided. Collection method: in vitro. Allele origin: not applicable. Functional consequence: retained intron. Not counted in ClinVar's aggregate classification.

Dr. Peter K. Rogan Lab, Western University
No classification provided (evidence only). Condition: Malignant tumor of esophagus. Review status: no classification provided. Collection method: in vitro. Allele origin: not applicable. Functional consequence: retained intron. Not counted in ClinVar's aggregate classification.

Genome Diagnostics Laboratory, University Medical Center Utrecht
Classification: Benign. Review status: no assertion criteria provided. Collection method: clinical testing. Allele origin: germline. Affected: yes. Study: VKGL Data-share Consensus. Not counted in ClinVar's aggregate classification.

Joint Genome Diagnostic Labs from Nijmegen and Maastricht, Radboudumc and MUMC+
Classification: Benign. Review status: no assertion criteria provided. Collection method: clinical testing. Allele origin: germline. Affected: yes. Study: VKGL Data-share Consensus. Not counted in ClinVar's aggregate classification.